The following is an entry in ClinVar:

NM_001145358.2(SIN3A):c.3388C>T (p.Leu1130=)

Gene: SIN3A (SIN3 transcription regulator family member A; minus strand). Cytogenetic location: 15q24.2.
Variant type: single nucleotide variant.
Coding change: c.3388C>T on transcript NM_001145358.2 (MANE Select); coding-DNA position 3388, C replaced by T.
Protein change: p.Leu1130=; no amino-acid change (leucine 1130 retained).
Molecular consequence: synonymous variant.
Genome position (GRCh38, 1-based): chr15:75,375,868, G>A on the plus strand (C>T on the coding strand, the complement: SIN3A is on the minus strand). VCF-style: chr15-75375868-G-A. GRCh37 (hg19) VCF-style: chr15-75668209-G-A.
Other names: c.3388C>T, p.Leu1130= (NM_001145357.2, NM_015477.3).
Identifiers: ClinVar variation 778100 (VCV000778100.33), dbSNP rs138854954, ClinGen allele CA7667244.

ClinVar aggregate classification (germline): Likely benign. Review status: criteria provided, multiple submitters, no conflicts (2 of 4 stars). 3 submissions from 3 submitters: Likely benign (3). Last evaluated 2026-02-03.

Allele frequency attached by ClinVar (database versions not stated): gnomAD exomes 0.00058 and 0.00032; 1000 Genomes Project 0.00060; gnomAD 0.00033 and 0.00034; ExAC 0.00035; 1000 Genomes Project 30x 0.00047; TOPMed 0.00053; ESP Exome Variant Server 0.00054.
gnomAD v4.1: 901 of 1,613,900 alleles (0.056%); highest among the groups gnomAD compares: Non-Finnish European, 0.07%; 2 homozygotes.

Submissions (3):

Labcorp Genetics (formerly Invitae), Labcorp
Classification: Likely benign. Last evaluated: 2026-02-03. Review status: criteria provided, single submitter. Criteria: Invitae Variant Classification Sherloc (09022015). Collection method: clinical testing. Allele origin: germline.

CeGaT Center for Human Genetics Tuebingen
Classification: Likely benign. Last evaluated: 2025-09-01. Review status: criteria provided, single submitter. Criteria: CeGaT Center For Human Genetics Tuebingen Variant Classification Criteria Version 2. Collection method: clinical testing. Allele origin: germline. Affected: yes. Observed: 2 variant alleles.
Comment: SIN3A: BP4

Blueprint Genetics
Classification: Likely benign. Last evaluated: 2024-04-10. Review status: criteria provided, single submitter. Criteria: ACMG Guidelines, 2015. Collection method: clinical testing. Allele origin: germline.